The following is an entry in ClinVar:

NM_019032.6(ADAMTSL4):c.589C>T (p.Pro197Ser)

Genes: ADAMTSL4 (ADAMTS like 4; plus strand), ADAMTSL4-AS2 (ADAMTSL4 antisense RNA 2; minus strand). Cytogenetic location: 1q21.2.
Variant type: single nucleotide variant.
Coding change: c.589C>T on transcript NM_019032.6 (MANE Select); coding-DNA position 589, C replaced by T.
Protein change: p.Pro197Ser; replaces proline 197 with serine.
Molecular consequence: missense variant.
Genome position (GRCh38, 1-based): chr1:150,553,580, C>T. VCF-style: chr1-150553580-C-T. GRCh37 (hg19) VCF-style: chr1-150526056-C-T.
Other names: c.589C>T, p.Pro197Ser (NM_001288607.2, NM_001288608.2, NM_001378596.1 and 1 more transcripts); short protein forms P197S.
Identifiers: ClinVar variation 1995709 (VCV001995709.1), dbSNP rs1411561148, ClinGen allele CA342301402.

ClinVar aggregate classification (germline): Uncertain significance (1 of 4 stars; one submission).

Allele frequency attached by ClinVar (database versions not stated): gnomAD exomes 0.00001.

Submission:

Labcorp Genetics (formerly Invitae), Labcorp
Classification: Uncertain significance. Last evaluated: 2022-05-17. Review status: criteria provided, single submitter. Criteria: Invitae Variant Classification Sherloc (09022015). Collection method: clinical testing. Allele origin: germline.
Comment: This sequence change replaces proline, which is neutral and non-polar, with serine, which is neutral and polar, at codon 197 of the ADAMTSL4 protein (p.Pro197Ser). This variant is present in population databases (no rsID available, gnomAD 0.0009%). This variant has not been reported in the literature in individuals affected with ADAMTSL4-related conditions. Algorithms developed to predict the effect of missense changes on protein structure and function (SIFT, PolyPhen-2, Align-GVGD) all suggest that this variant is likely to be tolerated. In summary, the available evidence is currently insufficient to determine the role of this variant in disease. Therefore, it has been classified as a Variant of Uncertain Significance.